The following is an entry in ClinVar:

NM_004168.4(SDHA):c.1136G>T (p.Arg379Leu)

Gene: SDHA (succinate dehydrogenase complex flavoprotein subunit A; plus strand). Cytogenetic location: 5p15.33.
Variant type: single nucleotide variant.
Coding change: c.1136G>T on transcript NM_004168.4 (MANE Select); coding-DNA position 1136, G replaced by T.
Protein change: p.Arg379Leu; replaces arginine 379 with leucine.
Molecular consequence: missense variant.
Genome position (GRCh38, 1-based): chr5:235,215, G>T. VCF-style: chr5-235215-G-T. GRCh37 (hg19) VCF-style: chr5-235330-G-T.
Other names: c.992G>T, p.Arg331Leu (NM_001294332.2); c.1136G>T, p.Arg379Leu (NM_001330758.2); short protein forms R331L, R379L.
Identifiers: ClinVar variation 1515087 (VCV001515087.8), dbSNP rs770719847, ClinGen allele CA359013529.

ClinVar aggregate classification (germline): Uncertain significance (1 of 4 stars; one submission).

Conditions:
Mitochondrial complex II deficiency, nuclear type 1. Also called: SUCCINATE CoQ REDUCTASE DEFICIENCY. Identifiers: Orphanet 3208, MedGen C5700310, MONDO:0100294, OMIM 252011.
Pheochromocytoma/paraganglioma syndrome 5. Also called: Paragangliomas 5; SDHA-Related Hereditary Paraganglioma-Pheochromocytoma Syndrome. Identifiers: Orphanet 29072, MedGen C3279992, MONDO:0013602, OMIM 614165.

Submission:

Labcorp Genetics (formerly Invitae), Labcorp
Classification: Uncertain significance for Pheochromocytoma/paraganglioma syndrome 5; Mitochondrial complex II deficiency, nuclear type 1. Last evaluated: 2022-01-08. Review status: criteria provided, single submitter. Criteria: Invitae Variant Classification Sherloc (09022015). Collection method: clinical testing. Allele origin: germline.
Comment: In summary, the available evidence is currently insufficient to determine the role of this variant in disease. Therefore, it has been classified as a Variant of Uncertain Significance. Algorithms developed to predict the effect of missense changes on protein structure and function (SIFT, PolyPhen-2, Align-GVGD) all suggest that this variant is likely to be disruptive. This variant has not been reported in the literature in individuals affected with SDHA-related conditions. This variant is not present in population databases (gnomAD no frequency). This sequence change replaces arginine, which is basic and polar, with leucine, which is neutral and non-polar, at codon 379 of the SDHA protein (p.Arg379Leu).